The following is an entry in ClinVar:

ClinVar aggregate classification (germline): Uncertain significance. Review status: criteria provided, multiple submitters, no conflicts (2 of 4 stars). 2 submissions from 2 submitters: Uncertain significance (2). Last evaluated 2025-08-20.

Conditions:
Cardiovascular phenotype. Identifiers: MedGen CN230736.
RASopathy. Also called: rasopathies; Noonan spectrum disorder. Identifiers: Orphanet 536391, MedGen C5555857, MONDO:0021060.

Submissions (2):

Ambry Genetics
Classification: Uncertain significance for Cardiovascular phenotype. Last evaluated: 2025-08-20. Review status: criteria provided, single submitter. Criteria: Ambry Variant Classification Scheme 2023. Collection method: clinical testing. Allele origin: germline.
Comment: The p.S797N variant (also known as c.2390G>A), located in coding exon 15 of the CBL gene, results from a G to A substitution at nucleotide position 2390. The serine at codon 797 is replaced by asparagine, an amino acid with highly similar properties. This amino acid position is conserved. In addition, this alteration is predicted to be tolerated by in silico analysis. Based on the available evidence, the clinical significance of this variant remains unclear.

Labcorp Genetics (formerly Invitae), Labcorp
Classification: Uncertain significance for RASopathy. Last evaluated: 2022-11-17. Review status: criteria provided, single submitter. Criteria: Invitae Variant Classification Sherloc (09022015). Collection method: clinical testing. Allele origin: germline.
Comment: Advanced modeling of protein sequence and biophysical properties (such as structural, functional, and spatial information, amino acid conservation, physicochemical variation, residue mobility, and thermodynamic stability) performed at Invitae indicates that this missense variant is not expected to disrupt CBL protein function. This variant has not been reported in the literature in individuals affected with CBL-related conditions. This variant is not present in population databases (gnomAD no frequency). This sequence change replaces serine, which is neutral and polar, with asparagine, which is neutral and polar, at codon 797 of the CBL protein (p.Ser797Asn). In summary, the available evidence is currently insufficient to determine the role of this variant in disease. Therefore, it has been classified as a Variant of Uncertain Significance.

NM_005188.4(CBL):c.2390G>A (p.Ser797Asn)

Gene: CBL (Cbl proto-oncogene; plus strand). Cytogenetic location: 11q23.3.
Variant type: single nucleotide variant.
Coding change: c.2390G>A on transcript NM_005188.4 (MANE Select); coding-DNA position 2390, G replaced by A.
Protein change: p.Ser797Asn; replaces serine 797 with asparagine.
Molecular consequence: missense variant.
Genome position (GRCh38, 1-based): chr11:119,298,496, G>A. VCF-style: chr11-119298496-G-A. GRCh37 (hg19) VCF-style: chr11-119169206-G-A.
Other names: c.2390G>A (NM_005188.2); short protein forms S797N.
Identifiers: ClinVar variation 2799798 (VCV002799798.4), dbSNP rs747073805, ClinGen allele CA229650904.